The following is an entry in ClinVar:

NM_002109.6(HARS1):c.694C>T (p.Arg232Cys)

Gene: HARS1 (histidyl-tRNA synthetase 1; minus strand). Cytogenetic location: 5q31.3.
Variant type: single nucleotide variant.
Coding change: c.694C>T on transcript NM_002109.6 (MANE Select); coding-DNA position 694, C replaced by T.
Protein change: p.Arg232Cys; replaces arginine 232 with cysteine.
Molecular consequence: missense variant.
Genome position (GRCh38, 1-based): chr5:140,677,690, G>A on the plus strand (C>T on the coding strand, the complement: HARS1 is on the minus strand). VCF-style: chr5-140677690-G-A. GRCh37 (hg19) VCF-style: chr5-140057275-G-A.
Other names: c.574C>T, p.Arg192Cys (NM_001258040.3); c.634C>T, p.Arg212Cys (NM_001258041.3); c.514C>T, p.Arg172Cys (NM_001258042.3); c.472C>T, p.Arg158Cys (NM_001289092.2); c.352C>T, p.Arg118Cys (NM_001289093.2); c.607C>T, p.Arg203Cys (NM_001289094.2); short protein forms R232C, R192C, R172C, R212C, R118C, R158C, R203C.
Identifiers: ClinVar variation 198477 (VCV000198477.44), dbSNP rs186526524, ClinGen allele CA247145.

ClinVar aggregate classification (germline): Conflicting classifications of pathogenicity. Review status: criteria provided, conflicting classifications (1 of 4 stars). 7 submissions from 7 submitters: Uncertain significance (6); Likely benign (1). Last evaluated 2026-09-02.

Conditions:
HARS1-related disorder. Also called: HARS1-related condition.
Usher syndrome type 3B. Also called: USHER SYNDROME, TYPE IIIB. Identifiers: MedGen C3281066, MONDO:0013788, OMIM 614504.

Allele frequency attached by ClinVar (database versions not stated): gnomAD 0.00004 and 0.00005; TOPMed 0.00006; ExAC 0.00009; 1000 Genomes Project 30x 0.00016; 1000 Genomes Project 0.00020.

Submissions (7):

PreventionGenetics, part of Exact Sciences
Classification: Uncertain significance for HARS1-related condition. Last evaluated: 2026-09-02. Review status: criteria provided, single submitter. Criteria: ACMG Guidelines, 2015. Collection method: clinical testing. Allele origin: germline.
Comment: The HARS1 c.694C>T variant is predicted to result in the amino acid substitution p.Arg232Cys. To our knowledge, this variant has not been reported in the literature. This variant is reported in 0.052% of alleles in individuals of Latino descent in gnomAD. Although we suspect that this variant may be benign, at this time, the clinical significance of this variant is uncertain due to the absence of conclusive functional and genetic evidence.

Labcorp Genetics (formerly Invitae), Labcorp
Classification: Uncertain significance for Usher syndrome type 3B. Last evaluated: 2025-08-06. Review status: criteria provided, single submitter. Criteria: Invitae Variant Classification Sherloc (09022015). Collection method: clinical testing. Allele origin: germline.
Comment: This sequence change replaces arginine, which is basic and polar, with cysteine, which is neutral and slightly polar, at codon 232 of the HARS protein (p.Arg232Cys). This variant is present in population databases (rs186526524, gnomAD 0.04%). This variant has not been reported in the literature in individuals affected with HARS-related conditions. ClinVar contains an entry for this variant (Variation ID: 198477). Invitae Evidence Modeling of protein sequence and biophysical properties (such as structural, functional, and spatial information, amino acid conservation, physicochemical variation, residue mobility, and thermodynamic stability) indicates that this missense variant is expected to disrupt HARS protein function with a positive predictive value of 80%. In summary, the available evidence is currently insufficient to determine the role of this variant in disease. Therefore, it has been classified as a Variant of Uncertain Significance.

GeneDx
Classification: Uncertain significance. Last evaluated: 2024-04-25. Review status: criteria provided, single submitter. Criteria: GeneDx Variant Classification Process June 2021. Collection method: clinical testing. Allele origin: germline. Affected: yes.
Comment: In silico analysis supports that this missense variant has a deleterious effect on protein structure/function; Has not been previously published as pathogenic or benign to our knowledge

CeGaT Center for Human Genetics Tuebingen
Classification: Uncertain significance. Last evaluated: 2024-03-01. Review status: criteria provided, single submitter. Criteria: CeGaT Center For Human Genetics Tuebingen Variant Classification Criteria Version 2. Collection method: clinical testing. Allele origin: germline. Affected: yes. Observed: 1 variant allele.
Comment: HARS1: PM2

Ambry Genetics
Classification: Likely benign. Last evaluated: 2020-12-02. Review status: criteria provided, single submitter. Criteria: Ambry Variant Classification Scheme 2023. Collection method: clinical testing. Allele origin: germline.

Mayo Clinic Laboratories, Mayo Clinic
Classification: Uncertain significance. Last evaluated: 2020-10-16. Review status: criteria provided, single submitter. Criteria: ACMG Guidelines, 2015. Collection method: clinical testing. Allele origin: germline. Observed: 1 variant allele.

Eurofins Ntd Llc (ga)
Classification: Uncertain significance. Last evaluated: 2014-10-21. Review status: criteria provided, single submitter. Criteria: EGL Classification Definitions 2015. Collection method: clinical testing. Allele origin: germline. Observed: 2 variant alleles, 2 heterozygotes.